The following is an entry in ClinVar:

NM_004048.4(B2M):c.159C>T (p.Ser53=)

Gene: B2M (beta-2-microglobulin; plus strand). Cytogenetic location: 15q21.1.
Variant type: single nucleotide variant.
Coding change: c.159C>T on transcript NM_004048.4 (MANE Select); coding-DNA position 159, C replaced by T.
Protein change: p.Ser53=; no amino-acid change (serine 53 retained).
Molecular consequence: synonymous variant.
Genome position (GRCh38, 1-based): chr15:44,715,514, C>T. VCF-style: chr15-44715514-C-T. GRCh37 (hg19) VCF-style: chr15-45007712-C-T.
Identifiers: ClinVar variation 719660 (VCV000719660.12), dbSNP rs200164063, ClinGen allele CA7536292.

ClinVar aggregate classification (germline): Likely benign. Review status: criteria provided, multiple submitters, no conflicts (2 of 4 stars). 3 submissions from 3 submitters: Likely benign (3). Last evaluated 2026-07-01.

Conditions:
Hypoproteinemia, hypercatabolic (IMD43). Also called: IMMUNODEFICIENCY 43; BETA-2-MICROGLOBULIN DEFICIENCY; B2M DEFICIENCY; MHC CLASS I DEFICIENCY 4. Identifiers: MedGen C1855796, MONDO:0009434, OMIM 241600.

Allele frequency attached by ClinVar (database versions not stated): ExAC 0.00009; gnomAD exomes 0.00013 and 0.00021; TOPMed 0.00014; gnomAD 0.00015 and 0.00016.

Submissions (3):

CeGaT Center for Human Genetics Tuebingen
Classification: Likely benign. Last evaluated: 2026-07-01. Review status: criteria provided, single submitter. Criteria: CeGaT Center For Human Genetics Tuebingen Variant Classification Criteria Version 2. Collection method: clinical testing. Allele origin: germline. Affected: yes. Observed: 1 variant allele.
Comment: B2M: BP4, BP7

Labcorp Genetics (formerly Invitae), Labcorp
Classification: Likely benign for Hypoproteinemia, hypercatabolic. Last evaluated: 2025-12-24. Review status: criteria provided, single submitter. Criteria: Invitae Variant Classification Sherloc (09022015). Collection method: clinical testing. Allele origin: germline.

Blueprint Genetics
Classification: Likely benign. Last evaluated: 2024-11-25. Review status: criteria provided, single submitter. Criteria: ACMG Guidelines, 2015. Collection method: clinical testing. Allele origin: germline.